The following is an entry in ClinVar:

NM_015627.3(LDLRAP1):c.145A>G (p.Ser49Gly)

Gene: LDLRAP1 (low density lipoprotein receptor adaptor protein 1; plus strand). Cytogenetic location: 1p36.11.
Variant type: single nucleotide variant.
Coding change: c.145A>G on transcript NM_015627.3 (MANE Select); coding-DNA position 145, A replaced by G.
Protein change: p.Ser49Gly; replaces serine 49 with glycine.
Molecular consequence: missense variant.
Genome position (GRCh38, 1-based): chr1:25,553,978, A>G. VCF-style: chr1-25553978-A-G. GRCh37 (hg19) VCF-style: chr1-25880469-A-G.
Other names: p.Ser49Gly; short protein forms S49G.
Identifiers: ClinVar variation 3379504 (VCV003379504.2).

ClinVar aggregate classification (germline): Uncertain significance. Review status: criteria provided, multiple submitters, no conflicts (2 of 4 stars). 2 submissions from 2 submitters: Uncertain significance (2). Last evaluated 2025-09-11.

Conditions:
Familial hypercholesterolemia. Also called: Familial hypercholesterolaemia. Identifiers: MedGen C0020445, MONDO:0005439.

gnomAD v4.1: 16 of 1,613,968 alleles (0.00099%); highest among the groups gnomAD compares: African/African-American, 0.0013%; no homozygotes.

Submissions (2):

Cambridge Genomics Laboratory, East Genomic Laboratory Hub, NHS Genomic Medicine Service
Classification: Uncertain significance for Familial hypercholesterolaemia. Last evaluated: 2025-09-11. Review status: criteria provided, single submitter. Criteria: ACGS Best Practice Guidelines for Variant Classification in Rare Disease 2020. Collection method: clinical testing. Allele origin: germline. Affected: yes.
Comment: PM2,BP4

Mayo Clinic Laboratories, Mayo Clinic
Classification: Uncertain significance. Last evaluated: 2024-06-25. Review status: criteria provided, single submitter. Criteria: ACMG Guidelines, 2015. Collection method: clinical testing. Allele origin: germline. Observed: 1 variant allele.
Comment: BP4, PM2